The following is an entry in ClinVar:

NM_199420.4(POLQ):c.7520G>C (p.Gly2507Ala)

Gene: POLQ (DNA polymerase theta; minus strand). Cytogenetic location: 3q13.33.
Variant type: single nucleotide variant.
Coding change: c.7520G>C on transcript NM_199420.4 (MANE Select); coding-DNA position 7520, G replaced by C.
Protein change: p.Gly2507Ala; replaces glycine 2507 with alanine.
Molecular consequence: missense variant.
Genome position (GRCh38, 1-based): chr3:121,436,145, C>G on the plus strand (G>C on the coding strand, the complement: POLQ is on the minus strand). VCF-style: chr3-121436145-C-G. GRCh37 (hg19) VCF-style: chr3-121154992-C-G.
Other names: short protein forms G2507A.
Identifiers: ClinVar variation 3308523 (VCV003308523.1).
Genomic context (GRCh38, chr3:121,436,145, plus strand): 5'-CATCATGTTACAGCACAGGCCTCATCTATGAACAAACCTGTTTGGTCACTTTGGAGCATA[C>G]CCTCTCGATGACCATGGGATTTGAAGGTTGAGTGGAAGGTCTCTAATTGCTTCTGAATGT-3'
Protein context (NP_955452.3, residues 2497-2517): STFKSHGHRE[Gly2507Ala]MLQSDQTGLS

ClinVar aggregate classification (germline): Uncertain significance (1 of 4 stars; one submission).

Submission:

Ambry Genetics
Classification: Uncertain significance. Last evaluated: 2024-04-19. Review status: criteria provided, single submitter. Criteria: Ambry Variant Classification Scheme 2023. Collection method: clinical testing. Allele origin: germline.
Comment: The p.G2507A variant (also known as c.7520G>C), located in coding exon 28 of the POLQ gene, results from a G to C substitution at nucleotide position 7520. The glycine at codon 2507 is replaced by alanine, an amino acid with similar properties. This amino acid position is conserved. In addition, this alteration is predicted to be tolerated by in silico analysis. Based on the available evidence, the clinical significance of this variant remains unclear.